The following is an entry in ClinVar:

ClinVar aggregate classification (germline): Uncertain significance. Review status: criteria provided, multiple submitters, no conflicts (2 of 4 stars). 2 submissions from 2 submitters: Uncertain significance (2). Last evaluated 2025-08-10.

Allele frequency attached by ClinVar (database versions not stated): gnomAD 0.00001; gnomAD exomes 0.00001; TOPMed 0.00001.
gnomAD v4.1: 20 of 1,613,646 alleles (0.0012%); highest among the groups gnomAD compares: Non-Finnish European, 0.0015%; no homozygotes.

Submissions (2):

Ambry Genetics
Classification: Uncertain significance. Last evaluated: 2025-08-10. Review status: criteria provided, single submitter. Criteria: Ambry Variant Classification Scheme 2023. Collection method: clinical testing. Allele origin: germline.

Labcorp Genetics (formerly Invitae), Labcorp
Classification: Uncertain significance. Last evaluated: 2023-03-02. Review status: criteria provided, single submitter. Criteria: Invitae Variant Classification Sherloc (09022015). Collection method: clinical testing. Allele origin: germline.
Comment: This variant is present in population databases (no rsID available, gnomAD 0.0009%). This sequence change replaces isoleucine, which is neutral and non-polar, with threonine, which is neutral and polar, at codon 632 of the RNF43 protein (p.Ile632Thr). This variant has not been reported in the literature in individuals affected with RNF43-related conditions. In summary, the available evidence is currently insufficient to determine the role of this variant in disease. Therefore, it has been classified as a Variant of Uncertain Significance. An algorithm developed to predict the effect of missense changes on protein structure and function (PolyPhen-2) suggests that this variant is likely to be tolerated.

NM_017763.6(RNF43):c.1895T>C (p.Ile632Thr)

Gene: RNF43 (ring finger protein 43; minus strand). Cytogenetic location: 17q22.
Variant type: single nucleotide variant.
Coding change: c.1895T>C on transcript NM_017763.6 (MANE Select); coding-DNA position 1895, T replaced by C.
Protein change: p.Ile632Thr; replaces isoleucine 632 with threonine.
Molecular consequence: missense variant.
Genome position (GRCh38, 1-based): chr17:58,357,881, A>G on the plus strand (T>C on the coding strand, the complement: RNF43 is on the minus strand). VCF-style: chr17-58357881-A-G. GRCh37 (hg19) VCF-style: chr17-56435242-A-G.
Other names: c.1895T>C, p.Ile632Thr (NM_001305544.3); c.1514T>C, p.Ile505Thr (NM_001305545.2); short protein forms I505T, I632T.
Identifiers: ClinVar variation 2887612 (VCV002887612.5), dbSNP rs1394683047, ClinGen allele CA400387040.
Genomic context (GRCh38, chr17:58,357,881, plus strand): 5'-GGGTGTCGGGCAGAGAGGCTGGATTTTTGCAAGTTGAACAGACTGCTGGTACTGGGGCAG[A>G]TGCTGGAGGCGTCAACTGGGCCAGGGGCTGGCTCAGGGAGGGCCCTGGGGCACTGTGGGT-3'
Protein context (NP_060233.3, residues 622-642): PAPGPVDASS[Ile632Thr]CPSTSSLFNL